The following is an entry in ClinVar:

ClinVar aggregate classification (germline): Benign (1 of 4 stars; one submission).

Conditions:
Ataxia-telangiectasia syndrome (AT). Also called: Ataxia telangiectasia (A-T); Cerebello-oculocutaneous telangiectasia; Immunodeficiency with ataxia telangiectasia; LOUIS-BAR SYNDROME; AT, COMPLEMENTATION GROUP C; ATAXIA-TELANGIECTASIA, FRESNO VARIANT. Identifiers: Orphanet 100, MedGen C0004135, MONDO:0008840, OMIM 208900.

Allele frequency attached by ClinVar (database versions not stated): gnomAD 0.01249 and 0.01336; gnomAD exomes 0.00215; TOPMed 0.01450; 1000 Genomes Project 0.01617; 1000 Genomes Project 30x 0.01655.
gnomAD v4.1: 2,029 of 217,188 alleles (0.93%); highest among the groups gnomAD compares: African/African-American, 4.2%; 49 homozygotes.

Submission:

Illumina Laboratory Services, Illumina
Classification: Benign for Ataxia-telangiectasia syndrome. Last evaluated: 2018-01-13. Review status: criteria provided, single submitter. Criteria: ICSL Variant Classification Criteria 13 December 2019. Collection method: clinical testing. Allele origin: germline.
Comment: This variant was observed in the ICSL laboratory as part of a predisposition screen in an ostensibly healthy population. It had not been previously curated by ICSL or reported in the Human Gene Mutation Database (HGMD: prior to June 1st, 2018), and was therefore a candidate for classification through an automated scoring system. Utilizing variant allele frequency, disease prevalence and penetrance estimates, and inheritance mode, an automated score was calculated to assess if this variant is too frequent to cause the disease. Based on the score and internal cut-off values, a variant classified as benign is not then subjected to further curation. The score for this variant resulted in a classification of benign for this disease.

NM_000051.4(ATM):c.*3093C>T

Genes: ATM (ATM serine/threonine kinase; plus strand), C11orf65 (chromosome 11 open reading frame 65; minus strand). Cytogenetic location: 11q22.3.
Variant type: single nucleotide variant.
Coding change: c.*3093C>T on transcript NM_000051.4 (MANE Select); 3093 bases downstream of the stop codon, C replaced by T.
Molecular consequence: 3 prime UTR variant. On other transcripts: intron variant (2).
Genome position (GRCh38, 1-based): chr11:108,368,601, C>T. VCF-style: chr11-108368601-C-T. GRCh37 (hg19) VCF-style: chr11-108239328-C-T.
Other names: c.640+17319G>A (NM_001330368.2); c.694+17319G>A (NM_001351110.2); c.*3093C>T (NM_001351834.2).
Identifiers: ClinVar variation 302294 (VCV000302294.7), dbSNP rs79807288, ClinGen allele CA10633335.